The following is an entry in ClinVar:

NM_007194.4(CHEK2):c.592+9A>G

Gene: CHEK2 (checkpoint kinase 2; minus strand). Cytogenetic location: 22q12.1.
Variant type: single nucleotide variant.
Coding change: c.592+9A>G on transcript NM_007194.4 (MANE Select); 9 bases into the intron after coding-DNA position 592, A replaced by G.
Molecular consequence: intron variant.
Genome position (GRCh38, 1-based): chr22:28,724,968, T>C on the plus strand (A>G on the coding strand, the complement: CHEK2 is on the minus strand). VCF-style: chr22-28724968-T-C. GRCh37 (hg19) VCF-style: chr22-29120956-T-C.
Other names: c.-72+9A>G (NM_001437942.1); c.445-45A>G (NM_001349956.3); c.592+9A>G (NM_145862.3); c.-186+9A>G (NM_001257387.3); c.685+9A>G (NM_001438295.1, NM_001438293.1); c.721+9A>G (NM_001438294.1, NM_001005735.3).
Identifiers: ClinVar variation 384785 (VCV000384785.21), dbSNP rs538351542, ClinGen allele CA10167975.

ClinVar aggregate classification (germline): Conflicting classifications of pathogenicity. Review status: criteria provided, conflicting classifications (1 of 4 stars). 7 submissions from 7 submitters: Uncertain significance (1); Likely benign (6). Last evaluated 2025-12-08.

Conditions:
Hereditary cancer-predisposing syndrome. Also called: Hereditary Cancer Syndrome; Hereditary neoplastic syndrome; Neoplastic Syndromes, Hereditary; Tumor predisposition. Identifiers: Orphanet 140162, MedGen C0027672, MeSH D009386, MONDO:0015356.
Familial cancer of breast. Also called: hereditary breast carcinoma; Hereditary breast cancer; BREAST CANCER, FAMILIAL. Identifiers: Orphanet 227535, MedGen C0346153, MONDO:0016419, OMIM 114480. Disease mechanism: loss of function.

Allele frequency attached by ClinVar (database versions not stated): gnomAD exomes below 0.00001 and 0.00002; gnomAD 0.00001; TOPMed 0.00001; ExAC 0.00002; 1000 Genomes Project 30x 0.00016; 1000 Genomes Project 0.00020.
gnomAD v4.1: 4 of 1,613,826 alleles (0.00025%); highest among the groups gnomAD compares: Admixed American, 0.005%; no homozygotes.

Submissions (7):

Labcorp Genetics (formerly Invitae), Labcorp
Classification: Likely benign for Familial cancer of breast. Last evaluated: 2025-12-08. Review status: criteria provided, single submitter. Criteria: Invitae Variant Classification Sherloc (09022015). Collection method: clinical testing. Allele origin: germline.

Women's Health and Genetics/Laboratory Corporation of America, LabCorp
Classification: Likely benign. Last evaluated: 2025-03-03. Review status: criteria provided, single submitter. Criteria: LabCorp Variant Classification Summary - May 2015. Collection method: clinical testing. Allele origin: germline.
Comment: Variant summary: CHEK2 c.592+9A>G alters a non-conserved nucleotide located at a position not widely known to affect splicing. Consensus agreement among computation tools predict no significant impact on normal splicing. However, these predictions have yet to be confirmed by functional studies. The variant allele was found at a frequency of 1.6e-05 in 251270 control chromosomes. The available data on variant occurrences in the general population are insufficient to allow any conclusion about variant significance. To our knowledge, no occurrence of c.592+9A>G in individuals affected with Hereditary Breast And Ovarian Cancer Syndrome and no experimental evidence demonstrating its impact on protein function have been reported. ClinVar contains an entry for this variant (Variation ID: 384785). Based on the evidence outlined above, the variant was classified as likely benign.

Myriad Genetics, Inc.
Classification: Uncertain significance for Familial cancer of breast. Last evaluated: 2024-04-03. Review status: criteria provided, single submitter. Criteria: Myriad Autosomal Dominant, Autosomal Recessive and X-Linked Classification Criteria (2023). Collection method: clinical testing. Allele origin: unknown.
Comment: This variant is classified as a variant of uncertain significance as there is insufficient evidence to determine its impact on protein function and/or cancer risk.

Genetic Services Laboratory, University of Chicago
Classification: Likely benign. Last evaluated: 2021-05-26. Review status: criteria provided, single submitter. Criteria: ACMG Guidelines, 2015. Collection method: clinical testing. Allele origin: germline. Affected: no.

Quest Diagnostics Nichols Institute San Juan Capistrano
Classification: Likely benign. Last evaluated: 2018-05-03. Review status: criteria provided, single submitter. Criteria: Quest Diagnostics criteria. Collection method: clinical testing. Allele origin: germline.

Color Diagnostics, LLC DBA Color Health
Classification: Likely benign for Hereditary cancer-predisposing syndrome. Last evaluated: 2018-01-06. Review status: criteria provided, single submitter. Criteria: ACMG Guidelines, 2015. Collection method: clinical testing. Allele origin: germline.

GeneDx
Classification: Likely benign. Last evaluated: 2017-08-21. Review status: criteria provided, single submitter. Criteria: GeneDx Variant Classification (06012015). Collection method: clinical testing. Allele origin: germline. Affected: yes.
Comment: This variant is considered likely benign or benign based on one or more of the following criteria: it is a conservative change, it occurs at a poorly conserved position in the protein, it is predicted to be benign by multiple in silico algorithms, and/or has population frequency not consistent with disease.